The following is an entry in ClinVar:

ClinVar aggregate classification (germline): Benign/Likely benign. Review status: criteria provided, multiple submitters, no conflicts (2 of 4 stars). 4 submissions from 4 submitters: Benign (1); Likely benign (2). 1 of the submissions does not count toward it. Last evaluated 2024-09-16.

Conditions:
Hereditary cancer-predisposing syndrome. Also called: Neoplastic Syndromes, Hereditary; Hereditary Cancer Syndrome; Hereditary neoplastic syndrome; Tumor predisposition. Identifiers: Orphanet 140162, MedGen C0027672, MeSH D009386, MONDO:0015356.
CDH1-related disorder. Also called: CDH1-related condition.
Hereditary diffuse gastric adenocarcinoma (HDGC). Also called: DIFFUSE GASTRIC AND LOBULAR BREAST CANCER SYNDROME. Identifiers: Orphanet 26106, MedGen C1708349, MONDO:0007648, OMIM 137215.

Allele frequency attached by ClinVar (database versions not stated): gnomAD exomes below 0.00001.
gnomAD v4.1: 2 of 1,614,090 alleles (0.00012%); highest among the groups gnomAD compares: South Asian, 0.0011%; no homozygotes.

Submissions (4):

Myriad Genetics, Inc.
Classification: Benign for Hereditary diffuse gastric adenocarcinoma. Last evaluated: 2024-09-16. Review status: criteria provided, single submitter. Criteria: Myriad Autosomal Dominant, Autosomal Recessive and X-Linked Classification Criteria (2023). Collection method: clinical testing. Allele origin: unknown.
Comment: This variant is considered benign. This variant is a silent/synonymous amino acid change and it is not expected to impact splicing.

Ambry Genetics
Classification: Likely benign for Hereditary cancer-predisposing syndrome. Last evaluated: 2019-05-07. Review status: criteria provided, single submitter. Criteria: Ambry Variant Classification Scheme 2023. Collection method: clinical testing. Allele origin: germline.

Color Diagnostics, LLC DBA Color Health
Classification: Likely benign for Hereditary cancer-predisposing syndrome. Last evaluated: 2018-03-23. Review status: criteria provided, single submitter. Criteria: ACMG Guidelines, 2015. Collection method: clinical testing. Allele origin: germline.

PreventionGenetics, part of Exact Sciences
Classification: Likely benign for CDH1-related condition. Last evaluated: 2023-04-07. Review status: no assertion criteria provided. Collection method: clinical testing. Allele origin: germline. Not counted in ClinVar's aggregate classification.
Comment: This variant is classified as likely benign based on ACMG/AMP sequence variant interpretation guidelines (Richards et al. 2015 PMID: 25741868, with internal and published modifications).

NM_004360.5(CDH1):c.804G>A (p.Lys268=)

Gene: CDH1 (cadherin 1; plus strand). Cytogenetic location: 16q22.1.
Variant type: single nucleotide variant.
Coding change: c.804G>A on transcript NM_004360.5 (MANE Select); coding-DNA position 804, G replaced by A.
Protein change: p.Lys268=; no amino-acid change (lysine 268 retained).
Molecular consequence: synonymous variant. On other transcripts: 5 prime UTR variant (2).
Genome position (GRCh38, 1-based): chr16:68,810,313, G>A. VCF-style: chr16-68810313-G-A. GRCh37 (hg19) VCF-style: chr16-68844216-G-A.
Other names: c.804G>A, p.Lys268= (NM_001317184.2); c.-812G>A (NM_001317185.2); c.-1016G>A (NM_001317186.2); c.804G>A (NM_004360.4).
Identifiers: ClinVar variation 827416 (VCV000827416.8), dbSNP rs1597892528, ClinGen allele CA496152813.